The following is an entry in ClinVar:

ClinVar aggregate classification (germline): Pathogenic/Likely pathogenic. Review status: criteria provided, multiple submitters, no conflicts (2 of 4 stars). 4 submissions from 4 submitters: Pathogenic (2); Likely pathogenic (1). 1 of the submissions does not count toward it. Last evaluated 2023-11-27.

Conditions:
Meckel-Gruber syndrome. Also called: DYSENCEPHALIA SPLANCHNOCYSTICA; GRUBER SYNDROME; Dysencephalia splachnocystica. Identifiers: Orphanet 564, MedGen C0265215, MONDO:0018921.
Joubert syndrome. Also called: CEREBELLOPARENCHYMAL DISORDER IV; JOUBERT-BOLTSHAUSER SYNDROME; Familial aplasia of the vermis. Identifiers: Orphanet 475, MedGen C5979921, MONDO:0018772.
Meckel syndrome, type 1 (MKS1). Also called: MECKEL-GRUBER SYNDROME, TYPE 1. Identifiers: Orphanet 564, MedGen C3714506, MONDO:0009571, OMIM 249000.
Bardet-Biedl syndrome 13 (BBS13). Identifiers: Orphanet 110, MedGen C2673873, MONDO:0014441, OMIM 615990.

gnomAD v4.1: 6 of 1,614,158 alleles (0.00037%); highest among the groups gnomAD compares: Non-Finnish European, 0.00051%; no homozygotes.

Submissions (4):

Labcorp Genetics (formerly Invitae), Labcorp
Classification: Pathogenic for Joubert syndrome; Meckel-Gruber syndrome. Last evaluated: 2023-11-27. Review status: criteria provided, single submitter. Criteria: Invitae Variant Classification Sherloc (09022015). Collection method: clinical testing. Allele origin: germline.
Comment: This sequence change affects a donor splice site in intron 4 of the MKS1 gene. It is expected to disrupt RNA splicing. Variants that disrupt the donor or acceptor splice site typically lead to a loss of protein function (PMID: 16199547), and loss-of-function variants in MKS1 are known to be pathogenic (PMID: 19466712, 24886560, 26490104). This variant is present in population databases (rs756368560, gnomAD 0.0009%). Disruption of this splice site has been observed in individual(s) with clinical features of MKS1-related conditions (PMID: 26862157). ClinVar contains an entry for this variant (Variation ID: 191084). Algorithms developed to predict the effect of sequence changes on RNA splicing suggest that this variant may disrupt the consensus splice site. For these reasons, this variant has been classified as Pathogenic.

Baylor Genetics
Classification: Pathogenic for Bardet-Biedl syndrome 13. Last evaluated: 2022-11-22. Review status: criteria provided, single submitter. Criteria: ACMG Guidelines, 2015. Collection method: clinical testing. Allele origin: unknown.

Genomic Medicine Center of Excellence, King Faisal Specialist Hospital and Research Centre
Classification: Likely pathogenic. Review status: criteria provided, single submitter. Criteria: ACMG Guidelines, 2015. Collection method: research. Allele origin: germline. Affected: yes.

Natera, Inc.
Classification: Likely pathogenic for Meckel syndrome type 1. Last evaluated: 2020-11-12. Review status: no assertion criteria provided. Collection method: clinical testing. Allele origin: germline. Not counted in ClinVar's aggregate classification.

Literature cited by the submitters: PubMed 16199547 (cited by Labcorp Genetics (formerly Invitae), Labcorp); PubMed 19466712 (cited by Labcorp Genetics (formerly Invitae), Labcorp); PubMed 24886560 (cited by Labcorp Genetics (formerly Invitae), Labcorp); PubMed 26490104 (cited by Labcorp Genetics (formerly Invitae), Labcorp); PubMed 26862157 (cited by Labcorp Genetics (formerly Invitae), Labcorp).

NM_017777.4(MKS1):c.417+1G>A

Gene: MKS1 (MKS transition zone complex subunit 1; minus strand). Cytogenetic location: 17q22.
Variant type: single nucleotide variant.
Coding change: c.417+1G>A on transcript NM_017777.4 (MANE Select); the canonical splice donor site of the intron after coding-DNA position 417, G replaced by A.
Molecular consequence: splice donor variant.
Genome position (GRCh38, 1-based): chr17:58,216,087, C>T on the plus strand (G>A on the coding strand, the complement: MKS1 is on the minus strand). VCF-style: chr17-58216087-C-T. GRCh37 (hg19) VCF-style: chr17-56293448-C-T.
Other names: c.-95+1G>A (NM_001321268.2); c.417+1G>A (NM_001330397.2, NM_001321269.2, NM_001411113.1).
Identifiers: ClinVar variation 191084 (VCV000191084.13), dbSNP rs756368560, ClinGen allele CA235986.